The following is an entry in ClinVar:

ClinVar aggregate classification (germline): Uncertain significance. Review status: criteria provided, multiple submitters, no conflicts (2 of 4 stars). 2 submissions from 2 submitters: Uncertain significance (2). Last evaluated 2026-05-13.

Conditions:
WHRN-related disorder. Also called: WHRN-related condition.

Allele frequency attached by ClinVar (database versions not stated): gnomAD exomes below 0.00001 and 0.00001; ExAC 0.00002.
gnomAD v4.1: 3 of 1,614,106 alleles (0.00019%); highest among the groups gnomAD compares: Admixed American, 0.0033%; no homozygotes.

Submissions (2):

PreventionGenetics, part of Exact Sciences
Classification: Uncertain significance for WHRN-related condition. Last evaluated: 2026-05-13. Review status: criteria provided, single submitter. Criteria: ACMG Guidelines, 2015. Collection method: clinical testing. Allele origin: germline.
Comment: The WHRN c.596T>G variant is predicted to result in the amino acid substitution p.Val199Gly. To our knowledge, this variant has not been reported in the literature. This variant is reported in 0.0058% of alleles in individuals of Latino descent in gnomAD. At this time, the clinical significance of this variant is uncertain due to the absence of conclusive functional and genetic evidence.

Labcorp Genetics (formerly Invitae), Labcorp
Classification: Uncertain significance. Last evaluated: 2024-12-02. Review status: criteria provided, single submitter. Criteria: Invitae Variant Classification Sherloc (09022015). Collection method: clinical testing. Allele origin: germline.
Comment: This sequence change replaces valine, which is neutral and non-polar, with glycine, which is neutral and non-polar, at codon 199 of the WHRN protein (p.Val199Gly). This variant is present in population databases (rs750894411, gnomAD 0.006%). This variant has not been reported in the literature in individuals affected with WHRN-related conditions. ClinVar contains an entry for this variant (Variation ID: 1521241). An algorithm developed to predict the effect of missense changes on protein structure and function (PolyPhen-2) suggests that this variant is likely to be disruptive. In summary, the available evidence is currently insufficient to determine the role of this variant in disease. Therefore, it has been classified as a Variant of Uncertain Significance.

NM_015404.4(WHRN):c.596T>G (p.Val199Gly)

Gene: WHRN (whirlin; minus strand). Cytogenetic location: 9q32.
Variant type: single nucleotide variant.
Coding change: c.596T>G on transcript NM_015404.4 (MANE Select); coding-DNA position 596, T replaced by G.
Protein change: p.Val199Gly; replaces valine 199 with glycine.
Molecular consequence: missense variant.
Genome position (GRCh38, 1-based): chr9:114,504,206, A>C on the plus strand (T>G on the coding strand, the complement: WHRN is on the minus strand). VCF-style: chr9-114504206-A-C. GRCh37 (hg19) VCF-style: chr9-117266486-A-C.
Other names: c.596T>G, p.Val199Gly (NM_001173425.2); c.596T>G (NM_015404.3); short protein forms V199G.
Identifiers: ClinVar variation 1521241 (VCV001521241.9), dbSNP rs750894411, ClinGen allele CA5206250.
Genomic context (GRCh38, chr9:114,504,206, plus strand): 5'-ATACTCTGCCCCAGACTCTCTCCAAACCACAGCCTTACCTTGACGGCCTCCGCGTGGGTC[A>C]CCCGGGCCAGGGATTTGTCGTTGACGCGCAGAATCTGGTCCCCGACCCGCAGTCCTTCCT-3'
Protein context (NP_056219.3, residues 189-209): LRVNDKSLAR[Val199Gly]THAEAVKALK